The following is an entry in ClinVar:

ClinVar aggregate classification (germline): Uncertain significance (1 of 4 stars; one submission).

Allele frequency attached by ClinVar (database versions not stated): ExAC 0.00001.

Submission:

GeneDx
Classification: Uncertain significance. Last evaluated: 2022-07-28. Review status: criteria provided, single submitter. Criteria: GeneDx Variant Classification Process June 2021. Collection method: clinical testing. Allele origin: germline. Affected: yes.
Comment: Not observed at significant frequency in large population cohorts (gnomAD); In silico analysis supports that this missense variant has a deleterious effect on protein structure/function; Has not been previously published as pathogenic or benign to our knowledge

NM_018480.7(TMEM126B):c.463T>C (p.Tyr155His)

Gene: TMEM126B (transmembrane protein 126B; plus strand). Cytogenetic location: 11q14.1.
Variant type: single nucleotide variant.
Coding change: c.463T>C on transcript NM_018480.7 (MANE Select); coding-DNA position 463, T replaced by C.
Protein change: p.Tyr155His; replaces tyrosine 155 with histidine.
Molecular consequence: missense variant. On other transcripts: non-coding transcript variant (2).
Genome position (GRCh38, 1-based): chr11:85,635,732, T>C. VCF-style: chr11-85635732-T-C. GRCh37 (hg19) VCF-style: chr11-85346776-T-C.
Other names: c.403T>C, p.Tyr135His (NM_001193537.3); c.373T>C, p.Tyr125His (NM_001193538.3, NM_001256546.2); c.325T>C, p.Tyr109His (NM_001256547.2); c.238T>C, p.Tyr80His (NM_001350393.1); short protein forms Y109H, Y125H, Y135H, Y155H, Y80H.
Identifiers: ClinVar variation 2413093 (VCV002413093.2), dbSNP rs756088017, ClinGen allele CA6212519.